The following is an entry in ClinVar:

NM_001854.4(COL11A1):c.175G>A (p.Gly59Arg)

Gene: COL11A1 (collagen type XI alpha 1 chain; minus strand). Cytogenetic location: 1p21.1.
Variant type: single nucleotide variant.
Coding change: c.175G>A on transcript NM_001854.4 (MANE Select); coding-DNA position 175, G replaced by A.
Protein change: p.Gly59Arg; replaces glycine 59 with arginine.
Molecular consequence: missense variant. On other transcripts: non-coding transcript variant (1).
Genome position (GRCh38, 1-based): chr1:103,082,904, C>T on the plus strand (G>A on the coding strand, the complement: COL11A1 is on the minus strand). VCF-style: chr1-103082904-C-T. GRCh37 (hg19) VCF-style: chr1-103548460-C-T.
Other names: c.175G>A, p.Gly59Arg (NM_001168249.1, NM_001190709.2, NM_080629.3 and 1 more transcripts); short protein forms G59R.
Identifiers: ClinVar variation 2722013 (VCV002722013.3), dbSNP rs1044368824, ClinGen allele CA27756350.

ClinVar aggregate classification (germline): Uncertain significance (1 of 4 stars; one submission).

Allele frequency attached by ClinVar (database versions not stated): gnomAD exomes below 0.00001; TOPMed 0.00001.
gnomAD v4.1: 2 of 1,613,296 alleles (0.00012%); highest among the groups gnomAD compares: African/African-American, 0.0013%; no homozygotes.

Submission:

Labcorp Genetics (formerly Invitae), Labcorp
Classification: Uncertain significance. Last evaluated: 2023-02-14. Review status: criteria provided, single submitter. Criteria: Invitae Variant Classification Sherloc (09022015). Collection method: clinical testing. Allele origin: germline.
Comment: An algorithm developed to predict the effect of missense changes on protein structure and function (PolyPhen-2) suggests that this variant is likely to be disruptive. This variant has not been reported in the literature in individuals affected with COL11A1-related conditions. This variant is not present in population databases (gnomAD no frequency). This sequence change replaces glycine, which is neutral and non-polar, with arginine, which is basic and polar, at codon 59 of the COL11A1 protein (p.Gly59Arg). In summary, the available evidence is currently insufficient to determine the role of this variant in disease. Therefore, it has been classified as a Variant of Uncertain Significance.